The following is an entry in ClinVar:

NM_017999.5(RNF31):c.1508C>T (p.Ala503Val)

Gene: RNF31 (ring finger protein 31; plus strand). Cytogenetic location: 14q12.
Variant type: single nucleotide variant.
Coding change: c.1508C>T on transcript NM_017999.5 (MANE Select); coding-DNA position 1508, C replaced by T.
Protein change: p.Ala503Val; replaces alanine 503 with valine.
Molecular consequence: missense variant.
Genome position (GRCh38, 1-based): chr14:24,151,150, C>T. VCF-style: chr14-24151150-C-T. GRCh37 (hg19) VCF-style: chr14-24620359-C-T.
Other names: c.1055C>T, p.Ala352Val (NM_001310332.2); short protein forms A503V, A352V.
Identifiers: ClinVar variation 1935850 (VCV001935850.5), dbSNP rs1014405683, ClinGen allele CA257872775.

ClinVar aggregate classification (germline): Uncertain significance (1 of 4 stars; one submission).

Allele frequency attached by ClinVar (database versions not stated): gnomAD 0.00001; TOPMed 0.00002.

Submission:

Labcorp Genetics (formerly Invitae), Labcorp
Classification: Uncertain significance. Last evaluated: 2025-07-30. Review status: criteria provided, single submitter. Criteria: Invitae Variant Classification Sherloc (09022015). Collection method: clinical testing. Allele origin: germline.
Comment: This sequence change replaces alanine, which is neutral and non-polar, with valine, which is neutral and non-polar, at codon 503 of the RNF31 protein (p.Ala503Val). This variant is not present in population databases (gnomAD no frequency). This variant has not been reported in the literature in individuals affected with RNF31-related conditions. ClinVar contains an entry for this variant (Variation ID: 1935850). An algorithm developed to predict the effect of missense changes on protein structure and function (PolyPhen-2) suggests that this variant is likely to be tolerated. In summary, the available evidence is currently insufficient to determine the role of this variant in disease. Therefore, it has been classified as a Variant of Uncertain Significance.